The following is an entry in ClinVar:

ClinVar aggregate classification (germline): Uncertain significance (1 of 4 stars; one submission).

Allele frequency attached by ClinVar (database versions not stated): gnomAD 0.00005 and 0.00006; TOPMed 0.00014.
gnomAD v4.1: 70 of 1,614,106 alleles (0.0043%); highest among the groups gnomAD compares: Admixed American, 0.012%; 1 homozygote.

Submission:

Labcorp Genetics (formerly Invitae), Labcorp
Classification: Uncertain significance. Last evaluated: 2022-09-07. Review status: criteria provided, single submitter. Criteria: Invitae Variant Classification Sherloc (09022015). Collection method: clinical testing. Allele origin: germline.
Comment: This sequence change replaces arginine, which is basic and polar, with histidine, which is basic and polar, at codon 296 of the RUSC2 protein (p.Arg296His). This variant is present in population databases (rs201930817, gnomAD 0.01%). This variant has not been reported in the literature in individuals affected with RUSC2-related conditions. ClinVar contains an entry for this variant (Variation ID: 1468955). Algorithms developed to predict the effect of missense changes on protein structure and function output the following: SIFT: "Tolerated"; PolyPhen-2: "Benign"; Align-GVGD: "Class C0". The histidine amino acid residue is found in multiple mammalian species, which suggests that this missense change does not adversely affect protein function. In summary, the available evidence is currently insufficient to determine the role of this variant in disease. Therefore, it has been classified as a Variant of Uncertain Significance.

NM_014806.5(RUSC2):c.887G>A (p.Arg296His)

Gene: RUSC2 (RUN and SH3 domain containing 2; plus strand). Cytogenetic location: 9p13.3.
Variant type: single nucleotide variant.
Coding change: c.887G>A on transcript NM_014806.5 (MANE Select); coding-DNA position 887, G replaced by A.
Protein change: p.Arg296His; replaces arginine 296 with histidine.
Molecular consequence: missense variant. On other transcripts: non-coding transcript variant (1), intron variant (1).
Genome position (GRCh38, 1-based): chr9:35,547,408, G>A. VCF-style: chr9-35547408-G-A. GRCh37 (hg19) VCF-style: chr9-35547405-G-A.
Other names: c.887G>A, p.Arg296His (NM_001135999.2); c.-620-7652G>A (NM_001330740.2); short protein forms R296H.
Identifiers: ClinVar variation 1468955 (VCV001468955.3), dbSNP rs201930817, ClinGen allele CA5043553.